The following is an entry in ClinVar:

ClinVar aggregate classification (germline): Likely pathogenic (1 of 4 stars; one submission).

Conditions:
Intellectual developmental disorder, autosomal recessive 27. Also called: Intellectual disability, autosomal recessive 27; Mental retardation, autosomal recessive 27. Identifiers: Orphanet 88616, MedGen C3280538, MONDO:0013702, OMIM 614340.

Submission:

3billion
Classification: Likely pathogenic for Intellectual developmental disorder, autosomal recessive 27. Last evaluated: 2022-01-03. Review status: criteria provided, single submitter. Criteria: ACMG Guidelines, 2015. Collection method: clinical testing. Allele origin: germline. Affected: yes. Observed: 1 homozygote.
Comment: Frameshift: predicted to result in a loss or disruption of normal protein function through protein truncation. Multiple pathogenic variants are reported in the predicted truncated region (PVS1_S). It is not observed in the gnomAD v2.1.1 dataset (PM2_M). Therefore, this variant is classified as likely pathogenic according to the recommendation of ACMG/AMP guideline.

NM_001040616.3(LINS1):c.1424_1425del (p.Gln475fs)

Gene: LINS1 (lines homolog 1; minus strand). Cytogenetic location: 15q26.3.
Variant type: Deletion.
Coding change: c.1424_1425del on transcript NM_001040616.3 (MANE Select); coding-DNA positions 1424 to 1425, 2 bases deleted (AG; older notation c.1424_1425delAG).
Protein change: p.Gln475fs; shifts the reading frame from glutamine 475.
Molecular consequence: frameshift variant. On other transcripts: non-coding transcript variant (3).
Genome position (GRCh38, 1-based): chr15:100,570,087-100,570,088, CT deleted on the plus strand (AG on the coding strand, the reverse complement: LINS1 is on the minus strand). VCF-style (leftmost placement, unchanged base first): chr15-100570086-CCT-C. GRCh37 (hg19) VCF-style: chr15-101110291-CCT-C.
Other names: c.677_678del, p.Gln226fs (NM_001352507.2); c.1271_1272del, p.Gln424fs (NM_001352508.2); short protein forms Q226fs, Q424fs, Q475fs.
Identifiers: ClinVar variation 1333602 (VCV001333602.1), dbSNP rs2141262985, ClinGen allele CA2573053964.
Genomic context (GRCh38, chr15:100,570,086, plus strand): 5'-AGAAAATACAGTGAGGATTATAGCCATTTTCATGTGTGTGATGGTCCCACATTTCTTTTC[CCT>C]GAGTCAAGCTTTCAGTGGCTTCACATCCTCTGAAAATGAAGATAATGGAGAATGCAGATT-3'